The following is an entry in ClinVar:

ClinVar aggregate classification (germline): Conflicting classifications of pathogenicity. Review status: criteria provided, conflicting classifications (1 of 4 stars). 2 submissions from 2 submitters: Uncertain significance (1); Likely benign (1). Last evaluated 2026-04-14.

Conditions:
Familial intrahepatic cholestasis. Identifiers: Orphanet 284385, MedGen CN296401, MONDO:0017290.

Allele frequency attached by ClinVar (database versions not stated): gnomAD exomes below 0.00001.

Submissions (2):

Genomenon, Inc
Classification: Uncertain significance for Familial intrahepatic cholestasis. Last evaluated: 2026-04-14. Review status: criteria provided, single submitter. Criteria: Genomenon Sequence Variant Interpretation Standards - Updated. Collection method: curation. Allele origin: germline. Affected: yes.
Comment: ABCB11 c.2451A>G is a synonymous variant that retains Glycine at residue 817. This variant has been observed in at least one proband with an ABCB11-related disorder (PMID:28733223). It is absent or not present at a significant frequency in gnomAD. In conclusion, we classify ABCB11 p.Gly817= (c.2451A>G) as a variant of uncertain significance.

Labcorp Genetics (formerly Invitae), Labcorp
Classification: Likely benign. Last evaluated: 2023-09-08. Review status: criteria provided, single submitter. Criteria: Invitae Variant Classification Sherloc (09022015). Collection method: clinical testing. Allele origin: germline.

Literature cited by the submitters: PubMed 28733223 (cited by Genomenon, Inc).

NM_003742.4(ABCB11):c.2451A>G (p.Gly817=)

Gene: ABCB11 (ATP binding cassette subfamily B member 11; minus strand). Cytogenetic location: 2q31.1.
Variant type: single nucleotide variant.
Coding change: c.2451A>G on transcript NM_003742.4 (MANE Select); coding-DNA position 2451, A replaced by G.
Protein change: p.Gly817=; no amino-acid change (glycine 817 retained).
Molecular consequence: synonymous variant.
Genome position (GRCh38, 1-based): chr2:168,944,764, T>C on the plus strand (A>G on the coding strand, the complement: ABCB11 is on the minus strand). VCF-style: chr2-168944764-T-C. GRCh37 (hg19) VCF-style: chr2-169801274-T-C.
Identifiers: ClinVar variation 1896593 (VCV001896593.6), dbSNP rs1692226726, ClinGen allele CA429985404.
Genomic context (GRCh38, chr2:168,944,764, plus strand): 5'-CCTGAAACCAAATTTACGTAGCCTTTTTGTTAGGAGCTCCCCAGATTTAGCAAAGGCATA[T>C]CCCTAAAACATGAAGAGGGAGATGTTAGAGAAATTTTAATGAGAAAAAAGGAAAAATAAC-3'
Protein context (NP_003733.2, residues 807-827): CVSLFTQFLQ[Gly817=]YAFAKSGELL